The following is an entry in ClinVar:

NM_173630.4(RTTN):c.1925C>G (p.Thr642Arg)

Gene: RTTN (rotatin; minus strand). Cytogenetic location: 18q22.2.
Variant type: single nucleotide variant.
Coding change: c.1925C>G on transcript NM_173630.4 (MANE Select); coding-DNA position 1925, C replaced by G.
Protein change: p.Thr642Arg; replaces threonine 642 with arginine.
Molecular consequence: missense variant. On other transcripts: 5 prime UTR variant (1).
Genome position (GRCh38, 1-based): chr18:70,166,066, G>C on the plus strand (C>G on the coding strand, the complement: RTTN is on the minus strand). VCF-style: chr18-70166066-G-C. GRCh37 (hg19) VCF-style: chr18-67833302-G-C.
Other names: c.-723C>G (NM_001318520.2); short protein forms T642R.
Identifiers: ClinVar variation 1314620 (VCV001314620.7), dbSNP rs760276630, ClinGen allele CA402697282.

ClinVar aggregate classification (germline): Uncertain significance. Review status: criteria provided, multiple submitters, no conflicts (2 of 4 stars). 2 submissions from 2 submitters: Uncertain significance (2). Last evaluated 2021-11-06.

gnomAD v4.1: 6 of 1,613,286 alleles (0.00037%); highest among the groups gnomAD compares: Non-Finnish European, 0.00042%; no homozygotes.

Submissions (2):

Labcorp Genetics (formerly Invitae), Labcorp
Classification: Uncertain significance. Last evaluated: 2021-11-06. Review status: criteria provided, single submitter. Criteria: Invitae Variant Classification Sherloc (09022015). Collection method: clinical testing. Allele origin: germline.
Comment: In summary, the available evidence is currently insufficient to determine the role of this variant in disease. Therefore, it has been classified as a Variant of Uncertain Significance. Algorithms developed to predict the effect of sequence changes on RNA splicing suggest that this variant may create or strengthen a splice site. Algorithms developed to predict the effect of missense changes on protein structure and function are either unavailable or do not agree on the potential impact of this missense change (SIFT: "Deleterious"; PolyPhen-2: "Benign"; Align-GVGD: "Class C0"). This variant has not been reported in the literature in individuals affected with RTTN-related conditions. This variant is not present in population databases (gnomAD no frequency). This sequence change replaces threonine, which is neutral and polar, with arginine, which is basic and polar, at codon 642 of the RTTN protein (p.Thr642Arg).

GeneDx
Classification: Uncertain significance. Last evaluated: 2021-04-12. Review status: criteria provided, single submitter. Criteria: GeneDx Variant Classification Process June 2021. Collection method: clinical testing. Allele origin: germline. Affected: yes.
Comment: Not observed at a significant frequency in large population cohorts (Lek et al., 2016); In silico analysis supports that this missense variant does not alter protein structure/function; Has not been previously published as pathogenic or benign to our knowledge